The following is an entry in ClinVar:

NM_033026.6(PCLO):c.5065A>G (p.Thr1689Ala)

Gene: PCLO (piccolo presynaptic cytomatrix protein; minus strand). Cytogenetic location: 7q21.11.
Variant type: single nucleotide variant.
Coding change: c.5065A>G on transcript NM_033026.6 (MANE Select); coding-DNA position 5065, A replaced by G.
Protein change: p.Thr1689Ala; replaces threonine 1689 with alanine.
Molecular consequence: missense variant.
Genome position (GRCh38, 1-based): chr7:82,955,888, T>C on the plus strand (A>G on the coding strand, the complement: PCLO is on the minus strand). VCF-style: chr7-82955888-T-C. GRCh37 (hg19) VCF-style: chr7-82585204-T-C.
Other names: c.5065A>G, p.Thr1689Ala (NM_014510.3); short protein forms T1689A.
Identifiers: ClinVar variation 1356364 (VCV001356364.3), dbSNP rs748925237, ClinGen allele CA4320714.

ClinVar aggregate classification (germline): Uncertain significance (1 of 4 stars; one submission).

Allele frequency attached by ClinVar (database versions not stated): gnomAD exomes 0.00001 and 0.00002; ExAC 0.00003; TOPMed 0.00006; gnomAD 0.00007 and 0.00009.
gnomAD v4.1: 15 of 1,613,792 alleles (0.00093%); highest among the groups gnomAD compares: African/African-American, 0.016%; no homozygotes.

Submission:

Labcorp Genetics (formerly Invitae), Labcorp
Classification: Uncertain significance. Last evaluated: 2022-09-13. Review status: criteria provided, single submitter. Criteria: Invitae Variant Classification Sherloc (09022015). Collection method: clinical testing. Allele origin: germline.
Comment: This sequence change replaces threonine, which is neutral and polar, with alanine, which is neutral and non-polar, at codon 1689 of the PCLO protein (p.Thr1689Ala). This variant is present in population databases (rs748925237, gnomAD 0.02%). This variant has not been reported in the literature in individuals affected with PCLO-related conditions. ClinVar contains an entry for this variant (Variation ID: 1356364). Algorithms developed to predict the effect of missense changes on protein structure and function output the following: SIFT: "Tolerated"; PolyPhen-2: "Not Available"; Align-GVGD: "Class C0". The alanine amino acid residue is found in multiple mammalian species, which suggests that this missense change does not adversely affect protein function. In summary, the available evidence is currently insufficient to determine the role of this variant in disease. Therefore, it has been classified as a Variant of Uncertain Significance.